The following is an entry in ClinVar:

ClinVar aggregate classification (germline): Uncertain significance (1 of 4 stars; one submission).

Conditions:
Nemaline myopathy 6 (NEM6). Also called: Nemaline myopathy 6, autosomal dominant. Identifiers: Orphanet 171439, MedGen C1836472, MONDO:0012237, OMIM 609273.

Submission:

Labcorp Genetics (formerly Invitae), Labcorp
Classification: Uncertain significance for Nemaline myopathy 6. Last evaluated: 2024-09-14. Review status: criteria provided, single submitter. Criteria: Invitae Variant Classification Sherloc (09022015). Collection method: clinical testing. Allele origin: germline.
Comment: This sequence change replaces leucine, which is neutral and non-polar, with arginine, which is basic and polar, at codon 8 of the KBTBD13 protein (p.Leu8Arg). This variant is not present in population databases (gnomAD no frequency). This variant has not been reported in the literature in individuals affected with KBTBD13-related conditions. Invitae Evidence Modeling of protein sequence and biophysical properties (such as structural, functional, and spatial information, amino acid conservation, physicochemical variation, residue mobility, and thermodynamic stability) indicates that this missense variant is not expected to disrupt KBTBD13 protein function with a negative predictive value of 80%. In summary, the available evidence is currently insufficient to determine the role of this variant in disease. Therefore, it has been classified as a Variant of Uncertain Significance.

NM_001101362.3(KBTBD13):c.23T>G (p.Leu8Arg)

Gene: KBTBD13 (kelch repeat and BTB domain containing 13; plus strand). Cytogenetic location: 15q22.31.
Variant type: single nucleotide variant.
Coding change: c.23T>G on transcript NM_001101362.3 (MANE Select); coding-DNA position 23, T replaced by G.
Protein change: p.Leu8Arg; replaces leucine 8 with arginine.
Molecular consequence: missense variant.
Genome position (GRCh38, 1-based): chr15:65,076,838, T>G. VCF-style: chr15-65076838-T-G. GRCh37 (hg19) VCF-style: chr15-65369176-T-G.
Other names: short protein forms L8R.
Identifiers: ClinVar variation 3662968 (VCV003662968.2).
Genomic context (GRCh38, chr15:65,076,838, plus strand): 5'-CAAGGCCCCAGCGGCAGCCTCCGCCCGGCCAGCTCGCCATGGCACGGGGTCCACAGACCC[T>G]GGTGCAGGTGTGGGTGGGCGGCCAGCTCTTCCAAGCCGACCGCGCCCTGCTGGTGGAGCA-3'
Protein context (NP_001094832.1, residues 1-18): MARGPQT[Leu8Arg]VQVWVGGQLF